The following is an entry in ClinVar:

ClinVar aggregate classification (germline): Conflicting classifications of pathogenicity. Review status: criteria provided, conflicting classifications (1 of 4 stars). 3 submissions from 3 submitters: Uncertain significance (2); Likely benign (1). Last evaluated 2024-09-04.

Conditions:
Inborn genetic diseases. Identifiers: MedGen C0950123, MeSH D030342.

Allele frequency attached by ClinVar (database versions not stated): gnomAD exomes 0.00027; ESP Exome Variant Server 0.00015; gnomAD 0.00034; ExAC 0.00017; TOPMed 0.00020.
gnomAD v4.1: 566 of 1,614,048 alleles (0.035%); highest among the groups gnomAD compares: Non-Finnish European, 0.039%; 2 homozygotes.

Submissions (3):

Ambry Genetics
Classification: Uncertain significance for Inborn genetic diseases. Last evaluated: 2024-09-04. Review status: criteria provided, single submitter. Criteria: Ambry Variant Classification Scheme 2023. Collection method: clinical testing. Allele origin: germline.

Labcorp Genetics (formerly Invitae), Labcorp
Classification: Uncertain significance. Last evaluated: 2023-06-29. Review status: criteria provided, single submitter. Criteria: Invitae Variant Classification Sherloc (09022015). Collection method: clinical testing. Allele origin: germline.
Comment: This sequence change replaces glycine, which is neutral and non-polar, with serine, which is neutral and polar, at codon 368 of the CERS3 protein (p.Gly368Ser). This variant is present in population databases (rs137899535, gnomAD 0.1%). This variant has not been reported in the literature in individuals affected with CERS3-related conditions. ClinVar contains an entry for this variant (Variation ID: 1331428). Algorithms developed to predict the effect of missense changes on protein structure and function output the following: SIFT: "Not Available"; PolyPhen-2: "Benign"; Align-GVGD: "Not Available". The serine amino acid residue is found in multiple mammalian species, which suggests that this missense change does not adversely affect protein function. In summary, the available evidence is currently insufficient to determine the role of this variant in disease. Therefore, it has been classified as a Variant of Uncertain Significance.

Women's Health and Genetics/Laboratory Corporation of America, LabCorp
Classification: Likely benign. Last evaluated: 2021-12-16. Review status: criteria provided, single submitter. Criteria: LabCorp Variant Classification Summary - May 2015. Collection method: clinical testing. Allele origin: germline.
Comment: Variant summary: CERS3 c.1102G>A (p.Gly368Ser) results in a non-conservative amino acid change in the encoded protein sequence. Three of four in-silico tools predict a benign effect of the variant on protein function. The variant allele was found at a frequency of 0.00027 in 251434 control chromosomes, predominantly at a frequency of 0.00033 within the Non-Finnish European subpopulation in the gnomAD database. The observed variant frequency within Non-Finnish European control individuals in the gnomAD database is approximately 1.32 fold of the estimated maximal expected allele frequency for a pathogenic variant in CERS3 causing Lamellar Ichthyosis phenotype (0.00025), strongly suggesting that the variant is a benign polymorphism found primarily in populations of Non-Finnish European origin. To our knowledge, no occurrence of c.1102G>A in individuals affected with Lamellar Ichthyosis and no experimental evidence demonstrating its impact on protein function have been reported. No clinical diagnostic laboratories have submitted clinical-significance assessments for this variant to ClinVar after 2014. Based on the evidence outlined above, the variant was classified as likely benign.

NM_001378789.1(CERS3):c.1102G>A (p.Gly368Ser)

Genes: CERS3 (ceramide synthase 3; minus strand), CERS3-AS1 (CERS3 antisense RNA 1; plus strand). Cytogenetic location: 15q26.3.
Variant type: single nucleotide variant.
Coding change: c.1102G>A on transcript NM_001378789.1 (MANE Select); coding-DNA position 1102, G replaced by A.
Protein change: p.Gly368Ser; replaces glycine 368 with serine.
Molecular consequence: missense variant.
Genome position (GRCh38, 1-based): chr15:100,402,763, C>T on the plus strand (G>A on the coding strand, the complement: CERS3 is on the minus strand). VCF-style: chr15-100402763-C-T. GRCh37 (hg19) VCF-style: chr15-100942968-C-T.
Other names: c.1135G>A, p.Gly379Ser (NM_001290341.2); c.1102G>A, p.Gly368Ser (NM_001290342.2, NM_001290343.2, NM_178842.5); c.1102G>A (NM_178842.3); short protein forms G368S, G379S.
Identifiers: ClinVar variation 1331428 (VCV001331428.8), dbSNP rs137899535, ClinGen allele CA7758821.